The following is an entry in ClinVar:

NM_032043.3(BRIP1):c.2236A>G (p.Ile746Val)

Gene: BRIP1 (BRCA1 interacting DNA helicase 1; minus strand). Cytogenetic location: 17q23.2.
Variant type: single nucleotide variant.
Coding change: c.2236A>G on transcript NM_032043.3 (MANE Select); coding-DNA position 2236, A replaced by G.
Protein change: p.Ile746Val; replaces isoleucine 746 with valine.
Molecular consequence: missense variant.
Genome position (GRCh38, 1-based): chr17:61,744,453, T>C on the plus strand (A>G on the coding strand, the complement: BRIP1 is on the minus strand). VCF-style: chr17-61744453-T-C. GRCh37 (hg19) VCF-style: chr17-59821814-T-C.
Other names: p.I746V:ATC>GTC; NP_114432.2:p.Ile746Val; short protein forms I746V.
Identifiers: ClinVar variation 133751 (VCV000133751.64), dbSNP rs111536363, ClinGen allele CA157689.

ClinVar aggregate classification (germline): Benign/Likely benign. Review status: criteria provided, multiple submitters, no conflicts (2 of 4 stars). 22 submissions from 21 submitters: Benign (11); Likely benign (5). 6 of the submissions do not count toward it. Last evaluated 2026-02-04.

Conditions:
Breast and/or ovarian cancer. Identifiers: MedGen CN221562.
Hereditary cancer-predisposing syndrome. Also called: Tumor predisposition; Hereditary neoplastic syndrome; Neoplastic Syndromes, Hereditary; Hereditary Cancer Syndrome. Identifiers: Orphanet 140162, MedGen C0027672, MeSH D009386, MONDO:0015356.
Familial cancer of breast. Also called: Hereditary breast cancer; hereditary breast carcinoma; BREAST CANCER, FAMILIAL. Identifiers: Orphanet 227535, MedGen C0346153, MONDO:0016419, OMIM 114480. Disease mechanism: loss of function.
Fanconi anemia complementation group J. Also called: BRIP1-Related Fanconi Anemia. Identifiers: Orphanet 84, MedGen C1836860, MONDO:0012187, OMIM 609054.
Ovarian cancer. Also called: OVARIAN CANCER, SOMATIC. Identifiers: Orphanet 213500, MedGen C1140680, MONDO:0008170, OMIM 167000.
Hereditary breast ovarian cancer syndrome. Also called: Hereditary breast and ovarian cancer syndrome (HBOC); Hereditary breast and ovarian cancer; Hereditary breast and ovarian cancer syndrome; Breast and ovarian cancer; Hereditary breast and/or ovarian cancer syndrome; BRCA1- and BRCA2-Associated Hereditary Breast and Ovarian Cancer. Identifiers: Orphanet 145, MedGen C0677776, MeSH D061325, MONDO:0003582. Disease mechanism: loss of function.
Malignant tumor of breast. Also called: Malignant breast neoplasm; Cancer breast. Identifiers: MedGen C0006142, MONDO:0007254. Disease mechanism: loss of function.

Allele frequency attached by ClinVar (database versions not stated): gnomAD exomes 0.00038 and 0.00108; ExAC 0.00132; ESP Exome Variant Server 0.00392; 1000 Genomes Project 30x 0.00406; 1000 Genomes Project 0.00419; gnomAD 0.00435 and 0.00480; TOPMed 0.00465.
gnomAD v4.1: 1,241 of 1,613,952 alleles (0.077%); highest among the groups gnomAD compares: African/African-American, 1.5%; 12 homozygotes.

Submissions (22):

Labcorp Genetics (formerly Invitae), Labcorp
Classification: Benign for Familial cancer of breast; Fanconi anemia complementation group J. Last evaluated: 2026-02-04. Review status: criteria provided, single submitter. Criteria: Invitae Variant Classification Sherloc (09022015). Collection method: clinical testing. Allele origin: germline.

Dasa
Classification: Likely benign. Last evaluated: 2025-11-25. Review status: criteria provided, single submitter. Criteria: DASA Assertion Criteria. Collection method: clinical testing. Allele origin: germline.
Comment: NM_032043.3(BRIP1):c.2236A>G (p.Ile746Val) is a missense variant that results in the substitution of isoleucine with valine. Population frequency is inconsistent with a disease-causing role for this variant, and observations in unaffected individuals support a benign interpretation. Therefore, based on the currently available evidence, this variant is classified as likely benign.

CeGaT Center for Human Genetics Tuebingen
Classification: Likely benign. Last evaluated: 2025-10-01. Review status: criteria provided, single submitter. Criteria: CeGaT Center For Human Genetics Tuebingen Variant Classification Criteria Version 2. Collection method: clinical testing. Allele origin: germline. Affected: yes. Observed: 3 variant alleles.
Comment: BRIP1: BP4, BS1

Quest Diagnostics Nichols Institute San Juan Capistrano
Classification: Benign. Last evaluated: 2025-03-12. Review status: criteria provided, single submitter. Criteria: Quest Diagnostics criteria. Collection method: clinical testing. Allele origin: unknown.

Center for Genomic Medicine, Rigshospitalet, Copenhagen University Hospital
Classification: Benign. Last evaluated: 2025-03-04. Review status: criteria provided, single submitter. Criteria: ACMG Guidelines, 2015. Collection method: clinical testing. Allele origin: germline.

KCCC/NGS Laboratory, Kuwait Cancer Control Center
Classification: Benign for Familial cancer of breast. Last evaluated: 2023-07-07. Review status: criteria provided, single submitter. Criteria: ACMG Guidelines, 2015. Collection method: clinical testing. Allele origin: germline. Affected: yes.

Myriad Genetics, Inc.
Classification: Likely benign for Familial cancer of breast. Last evaluated: 2023-03-02. Review status: criteria provided, single submitter. Criteria: Myriad Autosomal Dominant, Autosomal Recessive and X-Linked Classification Criteria (2023). Collection method: clinical testing. Allele origin: unknown.
Comment: This variant is considered likely benign. This variant has been observed at a population frequency that is significantly greater than expected given the associated disease prevalence and penetrance.

National Health Laboratory Service, Universitas Academic Hospital and University of the Free State
Classification: Benign for Hereditary breast ovarian cancer syndrome. Last evaluated: 2022-04-19. Review status: criteria provided, single submitter. Criteria: ACMG Guidelines, 2015. Collection method: clinical testing. Allele origin: germline. Affected: yes. Observed: 26 variant alleles.

CHEO Genetics Diagnostic Laboratory, Children's Hospital of Eastern Ontario
Classification: Benign for Breast and/or ovarian cancer. Last evaluated: 2021-07-02. Review status: criteria provided, single submitter. Criteria: ACMG Guidelines, 2015. Collection method: clinical testing. Allele origin: germline.

Genetic Services Laboratory, University of Chicago
Classification: Benign. Last evaluated: 2018-03-22. Review status: criteria provided, single submitter. Criteria: ACMG Guidelines, 2015. Collection method: clinical testing. Allele origin: germline. Affected: no.

Illumina Laboratory Services, Illumina
Classification: Benign for Fanconi anemia complementation group J. Last evaluated: 2018-01-12. Review status: criteria provided, single submitter. Criteria: ICSL Variant Classification Criteria 13 December 2019. Collection method: clinical testing. Allele origin: germline.
Comment: This variant was observed in the ICSL laboratory as part of a predisposition screen in an ostensibly healthy population. It had not been previously curated by ICSL or reported in the Human Gene Mutation Database (HGMD: prior to June 1st, 2018), and was therefore a candidate for classification through an automated scoring system. Utilizing variant allele frequency, disease prevalence and penetrance estimates, and inheritance mode, an automated score was calculated to assess if this variant is too frequent to cause the disease. Based on the score and internal cut-off values, a variant classified as benign is not then subjected to further curation. The score for this variant resulted in a classification of benign for this disease.

PreventionGenetics, part of Exact Sciences
Classification: Benign. Last evaluated: 2016-12-06. Review status: criteria provided, single submitter. Criteria: ACMG Guidelines, 2015. Collection method: clinical testing. Allele origin: germline.

Color Diagnostics, LLC DBA Color Health
Classification: Likely benign for Hereditary cancer-predisposing syndrome. Last evaluated: 2015-04-01. Review status: criteria provided, single submitter. Criteria: ACMG Guidelines, 2015. Collection method: clinical testing. Allele origin: germline.

Ambry Genetics
Classification: Benign for Hereditary cancer-predisposing syndrome. Last evaluated: 2014-11-25. Review status: criteria provided, single submitter. Criteria: Ambry Variant Classification Scheme 2023. Collection method: clinical testing. Allele origin: germline.

GeneDx
Classification: Benign. Last evaluated: 2014-02-06. Review status: criteria provided, single submitter. Criteria: GeneDx Variant Classification (06012015). Collection method: clinical testing. Allele origin: germline. Affected: yes.
Comment: This variant is considered likely benign or benign based on one or more of the following criteria: it is a conservative change, it occurs at a poorly conserved position in the protein, it is predicted to be benign by multiple in silico algorithms, and/or has population frequency not consistent with disease.

Breakthrough Genomics
Classification: Likely benign. Review status: criteria provided, single submitter. Criteria: ACMG Guidelines, 2015. Collection method: not provided. Allele origin: germline. Inheritance: Autosomal dominant inheritance. Affected: yes.

Counsyl
Classification: Benign for Fanconi anemia complementation group J. Last evaluated: 2016-06-08. Review status: no assertion criteria provided. Collection method: clinical testing. Allele origin: unknown. Not counted in ClinVar's aggregate classification.

Counsyl
Classification: Benign for Ovarian cancer. Last evaluated: 2016-06-08. Review status: no assertion criteria provided. Collection method: clinical testing. Allele origin: unknown. Not counted in ClinVar's aggregate classification.

ITMI
No classification provided. Condition: AllHighlyPenetrant. Last evaluated: 2013-09-19. Review status: no classification provided. Collection method: reference population. Allele origin: germline. Not counted in ClinVar's aggregate classification.
Comment: Please see associated publication for description of ethnicities

Clinical Genetics DNA and cytogenetics Diagnostics Lab, Erasmus MC, Erasmus Medical Center
Classification: Benign. Review status: no assertion criteria provided. Collection method: clinical testing. Allele origin: germline. Affected: yes. Study: VKGL Data-share Consensus. Not counted in ClinVar's aggregate classification.

Clinical Genetics Laboratory, Department of Pathology, Netherlands Cancer Institute
Classification: Benign. Review status: no assertion criteria provided. Collection method: clinical testing. Allele origin: germline. Affected: yes. Study: VKGL Data-share Consensus. Not counted in ClinVar's aggregate classification.

Department of Pathology and Laboratory Medicine, Sinai Health System
Classification: Benign for Malignant tumor of breast. Review status: no assertion criteria provided. Collection method: clinical testing. Allele origin: unknown. Affected: yes. Observed: 1 variant allele. Study: The Canadian Open Genetics Repository (COGR). Not counted in ClinVar's aggregate classification.
Comment: The BRIP1 p.Ile746Val variant was identified in 3 of 7992 proband chromosomes (frequency: 0.0004) from individuals or families with Lynch or ovarian cancer and was present in 4 of 8224 control chromosomes (frequency: 0.0005) from healthy individuals (Ramus 2015, Yurgelun 2015). The variant was also identified in dbSNP (ID: rs111536363) as "With other allele", ClinVar (classified as benign by Invitae, GeneDx, Ambry Genetics, Counsyl and two clinical laboratories; as likely benign by tree clincal laboratories), MutDB, and in Zhejiang University, databases. The variant was not identified in Cosmic, database. The variant was identified in control databases in 387 of 276970 chromosomes (6 homozygous) at a frequency of 0.001 increasing the likelihood this could be a low frequency benign variant (Genome Aggregation Database Feb 27, 2017). The variant was observed in the following populations: African in 361 of 24026 chromosomes (freq: 0.01), Other in 2 of 6462 chromosomes (freq: 0.0003), Latino in 18 of 34408 chromosomes (freq: 0.0005), European in 3 of 126534 chromosomes (freq: 0.00002), East Asian in 1 of 18864 chromosomes (freq: 0.00005), and South Asian in 2 of 30744 chromosomes (freq: 0.00007), while the variant was not observed in the Ashkenazi Jewish, and Finnish, populations. The p.Ile746 residue is conserved in mammals but not in more distantly related organisms however four out of five computational analyses (PolyPhen-2, SIFT, AlignGVGD, BLOSUM, MutationTaster) do not suggest a high likelihood of impact to the protein; this information is not predictive enough to rule out pathogenicity. The variant occurs outside of the splicing consensus sequence and in silico or computational prediction software programs (SpliceSiteFinder, MaxEntScan, NNSPLICE, GeneSplicer) do not predict a difference in splicing. In summary, based on the above information this variant meets our laboratory's criteria to be classified as benign.

Literature cited by the submitters: PubMed 25980754 (cited by Quest Diagnostics Nichols Institute San Juan Capistrano and Counsyl); PubMed 23555315 (cited by Counsyl); PubMed 24728327 (cited by Counsyl and ITMI); PubMed 26315354 (cited by Counsyl); PubMed 25186627 (cited by Counsyl); PubMed 24123366 (cited by Counsyl).